The following is an entry in ClinVar:

NM_000257.4(MYH7):c.5552C>T (p.Thr1851Ile)

Gene: MYH7 (myosin heavy chain 7; minus strand). Cytogenetic location: 14q11.2.
Variant type: single nucleotide variant.
Coding change: c.5552C>T on transcript NM_000257.4 (MANE Select); coding-DNA position 5552, C replaced by T.
Protein change: p.Thr1851Ile; replaces threonine 1851 with isoleucine.
Molecular consequence: missense variant.
Genome position (GRCh38, 1-based): chr14:23,415,002, G>A on the plus strand (C>T on the coding strand, the complement: MYH7 is on the minus strand). VCF-style: chr14-23415002-G-A. GRCh37 (hg19) VCF-style: chr14-23884211-G-A.
Other names: c.5552C>T, p.Thr1851Ile (NM_001407004.1); short protein forms T1851I.
Identifiers: ClinVar variation 2902029 (VCV002902029.3), dbSNP rs1257157954, ClinGen allele CA389035008.

ClinVar aggregate classification (germline): Uncertain significance (1 of 4 stars; one submission).

Conditions:
Hypertrophic cardiomyopathy. Also called: HYPERTROPHIC MYOCARDIOPATHY. Identifiers: Orphanet 217569, MedGen C0007194, MeSH D002312, MONDO:0005045, HP:0001639.

Submission:

Labcorp Genetics (formerly Invitae), Labcorp
Classification: Uncertain significance for Hypertrophic cardiomyopathy. Last evaluated: 2022-11-18. Review status: criteria provided, single submitter. Criteria: Invitae Variant Classification Sherloc (09022015). Collection method: clinical testing. Allele origin: germline.
Comment: This sequence change replaces threonine, which is neutral and polar, with isoleucine, which is neutral and non-polar, at codon 1851 of the MYH7 protein (p.Thr1851Ile). This variant is not present in population databases (gnomAD no frequency). This variant has not been reported in the literature in individuals affected with MYH7-related conditions. Advanced modeling of protein sequence and biophysical properties (such as structural, functional, and spatial information, amino acid conservation, physicochemical variation, residue mobility, and thermodynamic stability) performed at Invitae indicates that this missense variant is expected to disrupt MYH7 protein function. In summary, the available evidence is currently insufficient to determine the role of this variant in disease. Therefore, it has been classified as a Variant of Uncertain Significance.